The following is an entry in ClinVar:

NM_006231.4(POLE):c.5887G>C (p.Glu1963Gln)

Gene: POLE (DNA polymerase epsilon, catalytic subunit; minus strand). Cytogenetic location: 12q24.33.
Variant type: single nucleotide variant.
Coding change: c.5887G>C on transcript NM_006231.4 (MANE Select); coding-DNA position 5887, G replaced by C.
Protein change: p.Glu1963Gln; replaces glutamic acid 1963 with glutamine.
Molecular consequence: missense variant.
Genome position (GRCh38, 1-based): chr12:132,634,303, C>G on the plus strand (G>C on the coding strand, the complement: POLE is on the minus strand). VCF-style: chr12-132634303-C-G. GRCh37 (hg19) VCF-style: chr12-133210889-C-G.
Other names: short protein forms E1963Q.
Identifiers: ClinVar variation 4716284 (VCV004716284.1).
Genomic context (GRCh38, chr12:132,634,303, plus strand): 5'-AAATGTTCCAGTTGTTTTCCAGTAAATCCTCCACGTTGGATTCCTCCGCCTCTTCCTCCT[C>G]CTCCCCATCTCTTTCCTCCTCATCGTCCTCATTTTCCTGCTCATCCTCTGCTCCCCCTGC-3'
Protein context (NP_006222.2, residues 1953-1973): EDDEEERDGE[Glu1963Gln]EEEAEESNVE

ClinVar aggregate classification (germline): Uncertain significance (1 of 4 stars; one submission).

Submission:

Labcorp Genetics (formerly Invitae), Labcorp
Classification: Uncertain significance. Last evaluated: 2025-03-30. Review status: criteria provided, single submitter. Criteria: Invitae Variant Classification Sherloc (09022015). Collection method: clinical testing. Allele origin: germline.
Comment: This sequence change replaces glutamic acid, which is acidic and polar, with glutamine, which is neutral and polar, at codon 1963 of the POLE protein (p.Glu1963Gln). This variant is not present in population databases (gnomAD no frequency). This variant has not been reported in the literature in individuals affected with POLE-related conditions. An algorithm developed to predict the effect of missense changes on protein structure and function (PolyPhen-2) suggests that this variant is likely to be tolerated. In summary, the available evidence is currently insufficient to determine the role of this variant in disease. Therefore, it has been classified as a Variant of Uncertain Significance.